The following is an entry in ClinVar:

NM_032119.4(ADGRV1):c.4929+87A>T

Gene: ADGRV1 (adhesion G protein-coupled receptor V1; plus strand). Cytogenetic location: 5q14.3.
Variant type: single nucleotide variant.
Coding change: c.4929+87A>T on transcript NM_032119.4 (MANE Select); 87 bases into the intron after coding-DNA position 4929, A replaced by T.
Molecular consequence: intron variant.
Genome position (GRCh38, 1-based): chr5:90,672,809, A>T. VCF-style: chr5-90672809-A-T. GRCh37 (hg19) VCF-style: chr5-89968626-A-T.
Identifiers: ClinVar variation 678794 (VCV000678794.1), dbSNP rs1028191, ClinGen allele CA12118949.

ClinVar aggregate classification (germline): Benign (1 of 4 stars; one submission).

Allele frequency attached by ClinVar (database versions not stated): gnomAD 0.74042 and 0.74173; TOPMed 0.75997; 1000 Genomes Project 30x 0.80559; 1000 Genomes Project 0.80990.
gnomAD v4.1: 696,312 of 1,019,152 alleles (68%); highest among the groups gnomAD compares: African/African-American, 91%; 240,790 homozygotes.

Submission:

GeneDx
Classification: Benign. Last evaluated: 2018-06-14. Review status: criteria provided, single submitter. Criteria: GeneDx Variant Classification (06012015). Collection method: clinical testing. Allele origin: germline. Affected: yes.
Comment: This variant is considered likely benign or benign based on one or more of the following criteria: it is a conservative change, it occurs at a poorly conserved position in the protein, it is predicted to be benign by multiple in silico algorithms, and/or has population frequency not consistent with disease.